The following is an entry in ClinVar:

NM_001999.4(FBN2):c.6682T>G (p.Cys2228Gly)

Gene: FBN2 (fibrillin 2; minus strand). Cytogenetic location: 5q23.3.
Variant type: single nucleotide variant.
Coding change: c.6682T>G on transcript NM_001999.4 (MANE Select); coding-DNA position 6682, T replaced by G.
Protein change: p.Cys2228Gly; replaces cysteine 2228 with glycine.
Molecular consequence: missense variant.
Genome position (GRCh38, 1-based): chr5:128,288,513, A>C on the plus strand (T>G on the coding strand, the complement: FBN2 is on the minus strand). VCF-style: chr5-128288513-A-C. GRCh37 (hg19) VCF-style: chr5-127624205-A-C.
Other names: short protein forms C2228G.
Identifiers: ClinVar variation 3713336 (VCV003713336.2).

ClinVar aggregate classification (germline): Uncertain significance (1 of 4 stars; one submission).

Conditions:
Congenital contractural arachnodactyly (CCA). Also called: Arthrogryposis, distal, type 9; BEALS SYNDROME; Beals-Hecht syndrome. Identifiers: Orphanet 115, MedGen C0220668, MONDO:0007363, OMIM 121050.

gnomAD v4.1: 1 of 1,613,802 alleles (0.000062%); highest among the groups gnomAD compares: Non-Finnish European, 0.000085%; no homozygotes.

Submission:

Labcorp Genetics (formerly Invitae), Labcorp
Classification: Uncertain significance for Congenital contractural arachnodactyly. Last evaluated: 2024-12-04. Review status: criteria provided, single submitter. Criteria: Invitae Variant Classification Sherloc (09022015). Collection method: clinical testing. Allele origin: germline.
Comment: This sequence change replaces cysteine, which is neutral and slightly polar, with glycine, which is neutral and non-polar, at codon 2228 of the FBN2 protein (p.Cys2228Gly). This variant is not present in population databases (gnomAD no frequency). This variant has not been reported in the literature in individuals affected with FBN2-related conditions. Invitae Evidence Modeling of protein sequence and biophysical properties (such as structural, functional, and spatial information, amino acid conservation, physicochemical variation, residue mobility, and thermodynamic stability) indicates that this missense variant is expected to disrupt FBN2 protein function with a positive predictive value of 80%. In summary, the available evidence is currently insufficient to determine the role of this variant in disease. Therefore, it has been classified as a Variant of Uncertain Significance.